The following is an entry in ClinVar:

ClinVar aggregate classification (germline): Uncertain significance (1 of 4 stars; one submission).

gnomAD v4.1: 1 of 1,211,795 alleles (0.000083%); highest among the groups gnomAD compares: Non-Finnish European, 0.00011%; no homozygotes.

Submission:

Labcorp Genetics (formerly Invitae), Labcorp
Classification: Uncertain significance. Last evaluated: 2024-09-03. Review status: criteria provided, single submitter. Criteria: Invitae Variant Classification Sherloc (09022015). Collection method: clinical testing. Allele origin: germline.
Comment: This sequence change affects codon 192 of the POU3F4 mRNA. It is a 'silent' change, meaning that it does not change the encoded amino acid sequence of the POU3F4 protein. This variant is not present in population databases (gnomAD no frequency). This variant has not been reported in the literature in individuals affected with POU3F4-related conditions. In summary, the available evidence is currently insufficient to determine the role of this variant in disease. Therefore, it has been classified as a Variant of Uncertain Significance.

NM_000307.5(POU3F4):c.576T>C (p.Asp192=)

Gene: POU3F4 (POU class 3 homeobox 4; plus strand). Cytogenetic location: Xq21.1.
Variant type: single nucleotide variant.
Coding change: c.576T>C on transcript NM_000307.5 (MANE Select); coding-DNA position 576, T replaced by C.
Protein change: p.Asp192=; no amino-acid change (aspartic acid 192 retained).
Molecular consequence: synonymous variant.
Genome position (GRCh38, 1-based): chrX:83,508,900, T>C. VCF-style: chrX-83508900-T-C. GRCh37 (hg19) VCF-style: chrX-82763908-T-C.
Identifiers: ClinVar variation 3664403 (VCV003664403.2).